The following is an entry in ClinVar:

ClinVar aggregate classification (germline): Uncertain significance (1 of 4 stars; one submission).

Conditions:
Luscan-Lumish syndrome. Identifiers: Orphanet 597738, MedGen C4085873, MONDO:0014791, OMIM 616831.

Allele frequency attached by ClinVar (database versions not stated): TOPMed 0.00001; ExAC 0.00001; gnomAD 0.00001; gnomAD exomes 0.00001.

Submission:

Baylor Genetics
Classification: Uncertain significance for Luscan-Lumish syndrome. Last evaluated: 2018-01-16. Review status: criteria provided, single submitter. Criteria: ACMG Guidelines, 2015. Collection method: clinical testing. Allele origin: paternal. Affected: yes.
Comment: This variant was determined to be of uncertain significance according to ACMG Guidelines, 2015 [PMID:25741868].

NM_014159.7(SETD2):c.4451A>T (p.Glu1484Val)

Gene: SETD2 (SET domain containing 2, histone lysine methyltransferase; minus strand). Cytogenetic location: 3p21.31.
Variant type: single nucleotide variant.
Coding change: c.4451A>T on transcript NM_014159.7 (MANE Select); coding-DNA position 4451, A replaced by T.
Protein change: p.Glu1484Val; replaces glutamic acid 1484 with valine.
Molecular consequence: missense variant. On other transcripts: non-coding transcript variant (1).
Genome position (GRCh38, 1-based): chr3:47,120,185, T>A on the plus strand (A>T on the coding strand, the complement: SETD2 is on the minus strand). VCF-style: chr3-47120185-T-A. GRCh37 (hg19) VCF-style: chr3-47161675-T-A.
Other names: c.4319A>T, p.Glu1440Val (NM_001349370.3); short protein forms E1440V, E1484V.
Identifiers: ClinVar variation 1031801 (VCV001031801.1), dbSNP rs749482493, ClinGen allele CA2363217.